The following is an entry in ClinVar:

NM_000138.5(FBN1):c.7643T>A (p.Phe2548Tyr)

Gene: FBN1 (fibrillin 1; minus strand). Cytogenetic location: 15q21.1.
Variant type: single nucleotide variant.
Coding change: c.7643T>A on transcript NM_000138.5 (MANE Select); coding-DNA position 7643, T replaced by A.
Protein change: p.Phe2548Tyr; replaces phenylalanine 2548 with tyrosine.
Molecular consequence: missense variant.
Genome position (GRCh38, 1-based): chr15:48,421,614, A>T on the plus strand (T>A on the coding strand, the complement: FBN1 is on the minus strand). VCF-style: chr15-48421614-A-T. GRCh37 (hg19) VCF-style: chr15-48713811-A-T.
Other names: NM_000138.5:c.7643T>A; c.7643T>A, p.Phe2548Tyr (NM_001406716.1); short protein forms F2548Y.
Identifiers: ClinVar variation 2413174 (VCV002413174.4), dbSNP rs2505397920, ClinGen allele CA392325153.
Genomic context (GRCh38, chr15:48,421,614, plus strand): 5'-CCACCTTCACAGCTGGAGCCGGTCTGATCAAGTGAGAATCCCCGCTGGCATTCACAGGTG[A>T]AGCTTCCAGGAGTGTTCTGGCAAATGCCCTTAGACCCGCACAGATTGATGTCAGAGGTGC-3'
Protein context (NP_000129.3, residues 2538-2558): KGICQNTPGS[Phe2548Tyr]TCECQRGFSL

ClinVar aggregate classification (germline): Uncertain significance (3 of 4 stars; one submission).

Conditions:
Marfan syndrome (MFS). Also called: MARFAN SYNDROME, TYPE I; FBN1-Related Marfan Syndrome; Marfan syndrome type 1; Marfan's syndrome; Marfan syndrome, classic. Identifiers: Orphanet 284963, Orphanet 558, MedGen C0024796, MONDO:0007947, OMIM 154700.

Submission:

ClinGen FBN1 Variant Curation Expert Panel, ClinGen
Classification: Uncertain significance for Marfan syndrome. Last evaluated: 2022-12-01. Review status: reviewed by expert panel. Criteria: Assertion Criteria VCEP FBN1 Version 1. Collection method: curation. Allele origin: germline. Inheritance: Autosomal dominant inheritance.
Comment: NM_00138 c.7643T>A is a missense variant predicted to cause a substitution of a phenylalanine by a tyrosine at amino acid position 2548. This variant is present in 1 proband with TAAD, segregating with TAAD in 1 affected family member but not segregating in another affected family member (BS4; Universitair Ziekenhuis Antwerpen). This variant occurs at a conserved position in the consensus calcium-binding sequence in a cbEGF-like domain (PM1). It is not present in gnomAD v2.1.1 (PM2_supporting). Computational prediction and evolutionary conservation analysis tools suggest no impact to the gene (BP4; REVEL = 0.298). Due to conflicting and insufficient evidence, this variant is classified as of uncertain significance for Marfan syndrome based on the ACMG/AMP criteria applied, as specified by the ClinGen FBN1 VCEP: PM1, PM2_supporting, BS4, BP4.